The following is an entry in ClinVar:

ClinVar aggregate classification (germline): Uncertain significance. Review status: criteria provided, multiple submitters, no conflicts (2 of 4 stars). 8 submissions from 8 submitters: Uncertain significance (8). Last evaluated 2026-02-19.

Conditions:
Jackson-Weiss syndrome (JWS). Also called: CRANIOSYNOSTOSIS, MIDFACIAL HYPOPLASIA, AND FOOT ABNORMALITIES. Identifiers: Orphanet 1540, MedGen C0795998, MONDO:0007400, OMIM 123150. Disease mechanism: loss of function.
Hartsfield-Bixler-Demyer syndrome (HRTFDS). Also called: Hartsfield syndrome; Holoprosencephaly, ectrodactyly, and bilateral cleft lip/palate; FGFR1-Related Hartsfield Syndrome. Identifiers: Orphanet 2117, MedGen C1845146, MONDO:0014196, OMIM 615465. Disease mechanism: loss of function.
Encephalocraniocutaneous lipomatosis (ECCL). Identifiers: Orphanet 2396, MedGen C0406612, MONDO:0013074, OMIM 613001.
Hypogonadotropic hypogonadism 2 with or without anosmia (HH2). Also called: HYPOGONADOTROPIC HYPOGONADISM 2 WITHOUT ANOSMIA; HYPOGONADOTROPIC HYPOGONADISM 2 WITH OR WITHOUT ANOSMIA, SUSCEPTIBILITY TO; HYPOGONADOTROPIC HYPOGONADISM 2 WITHOUT ANOSMIA, SUSCEPTIBILITY TO; FGFR1-Related GnRH Deficiency (Kallmann Syndrome 2). Identifiers: Orphanet 478, MedGen C1563720, MONDO:0007844, OMIM 147950. Disease mechanism: loss of function.
Pfeiffer syndrome (ACS5). Also called: ACS V. Identifiers: Orphanet 710, MedGen C0220658, MONDO:0007043, OMIM 101600.
Osteoglophonic dysplasia (OGD). Also called: Osteoglophonic dwarfism. Identifiers: Orphanet 2645, MedGen C0432283, MONDO:0008150, OMIM 166250.
Trigonocephaly 1 (TRIGNO1). Identifiers: Orphanet 3366, MedGen C0432122, MONDO:0008603, OMIM 190440.
Inborn genetic diseases. Identifiers: MedGen C0950123, MeSH D030342.

Allele frequency attached by ClinVar (database versions not stated): gnomAD 0.00011 and 0.00010; gnomAD exomes 0.00011; TOPMed 0.00011; ExAC 0.00021.
gnomAD v4.1: 220 of 1,613,696 alleles (0.014%); highest among the groups gnomAD compares: Non-Finnish European, 0.017%; no homozygotes.

Submissions (8):

Dasa
Classification: Uncertain significance for Hartsfield-Bixler-Demyer syndrome. Last evaluated: 2026-02-19. Review status: criteria provided, single submitter. Criteria: DASA Assertion Criteria. Collection method: clinical testing. Allele origin: germline.
Comment: NM_023110.3(FGFR1):c.231C>G (p.Asn77Lys) is a missense variant that results in the substitution of asparagine with lysine. This variant is rare in population databases. The currently available literature and clinical evidence are not sufficient to establish a definitive association between this variant and the reported condition. Therefore, this variant is classified as a variant of uncertain significance.

Labcorp Genetics (formerly Invitae), Labcorp
Classification: Uncertain significance for Pfeiffer syndrome; Hypogonadotropic hypogonadism 2 with or without anosmia. Last evaluated: 2025-09-16. Review status: criteria provided, single submitter. Criteria: Invitae Variant Classification Sherloc (09022015). Collection method: clinical testing. Allele origin: germline.
Comment: This sequence change replaces asparagine, which is neutral and polar, with lysine, which is basic and polar, at codon 77 of the FGFR1 protein (p.Asn77Lys). This variant is present in population databases (rs767195580, gnomAD 0.02%), and has an allele count higher than expected for a pathogenic variant. This missense change has been observed in individual(s) with clinical features of Kallman syndrome (PMID: 18985070, 37805574, 38087044). ClinVar contains an entry for this variant (Variation ID: 963764). Invitae Evidence Modeling of protein sequence and biophysical properties (such as structural, functional, and spatial information, amino acid conservation, physicochemical variation, residue mobility, and thermodynamic stability) has been performed for this missense variant. However, the output from this modeling did not meet the statistical confidence thresholds required to predict the impact of this variant on FGFR1 protein function. In summary, the available evidence is currently insufficient to determine the role of this variant in disease. Therefore, it has been classified as a Variant of Uncertain Significance.

Ambry Genetics
Classification: Uncertain significance for Inborn genetic diseases. Last evaluated: 2025-07-22. Review status: criteria provided, single submitter. Criteria: Ambry Variant Classification Scheme 2023. Collection method: clinical testing. Allele origin: germline.
Comment: Unlikely to be causative of FGFR1-related skeletal dysplasia (AD). Based on insufficient or conflicting evidence, the clinical significance of this alteration remains unclear.

Clinical Genomics Laboratory, Washington University in St. Louis
Classification: Uncertain significance for Hypogonadotropic hypogonadism 2 with or without anosmia; Jackson-Weiss syndrome; Pfeiffer syndrome. Last evaluated: 2025-04-09. Review status: criteria provided, single submitter. Criteria: ACMG Guidelines, 2015. Collection method: clinical testing. Allele origin: germline.
Comment: An FGFR1 c.231C>G (p.Asn77Lys) variant was identified at a near heterozygous allelic fraction of 49%, a frequency which may be consistent with germline origin, This variant has been identified in the literature in an individual with Kallmanm syndrome but was also seen in two healthy controls (Dodé C et al., PMID: 17154279). This variant has been reported in the ClinVar database as a germline variant of uncertain significance by four submitters (ClinVar variation ID: 963764). It occurs on 220/1,613,696 alleles in the general population (gnomAD v.4.1.0), which is higher than expected for an autosomal dominant disease. Computational predictors suggest that the variant does not impact FGFR1 function. Due to limited information, and based on ACMG/AMP guidelines for variant interpretation (Richards S et al., PMID: 25741868), the clinical significance of this variant is uncertain at this time.

GeneDx
Classification: Uncertain significance. Last evaluated: 2024-06-03. Review status: criteria provided, single submitter. Criteria: GeneDx Variant Classification Process June 2021. Collection method: clinical testing. Allele origin: germline. Affected: yes.
Comment: Identified in a patient with Kallman syndrome in published literature, however, this variant was also observed in two healthy controls in this study (PMID: 17154279); In silico analysis supports that this missense variant has a deleterious effect on protein structure/function; This variant is associated with the following publications: (PMID: 23329143, 18985070, 18034870, 17154279, 34633109)

Reproductive Endocrine Unit, Massachusetts General Hospital
Classification: Uncertain significance for Hypogonadotropic hypogonadism 2 with or without anosmia. Last evaluated: 2023-05-04. Review status: criteria provided, single submitter. Criteria: ACMG Guidelines, 2015. Collection method: research. Allele origin: unknown. Affected: yes. Observed: 1 variant allele.

Clinical Genetics Laboratory, Skane University Hospital Lund
Classification: Uncertain significance. Last evaluated: 2022-12-16. Review status: criteria provided, single submitter. Criteria: ACMG Guidelines, 2015. Collection method: clinical testing. Allele origin: germline. Affected: yes.

Fulgent Genetics
Classification: Uncertain significance for Pfeiffer syndrome; Jackson-Weiss syndrome; Hypogonadotropic hypogonadism 2 with or without anosmia; Osteoglophonic dysplasia; Trigonocephaly 1; Encephalocraniocutaneous lipomatosis; Hartsfield-Bixler-Demyer syndrome. Last evaluated: 2022-01-07. Review status: criteria provided, single submitter. Criteria: ACMG Guidelines, 2015. Collection method: clinical testing. Allele origin: unknown.

Literature cited by the submitters: PubMed 18985070 (cited by Labcorp Genetics (formerly Invitae), Labcorp); PubMed 37805574 (cited by Labcorp Genetics (formerly Invitae), Labcorp); PubMed 38087044 (cited by Labcorp Genetics (formerly Invitae), Labcorp).

NM_023110.3(FGFR1):c.231C>G (p.Asn77Lys)

Gene: FGFR1 (fibroblast growth factor receptor 1; minus strand). Cytogenetic location: 8p11.23.
Variant type: single nucleotide variant.
Coding change: c.231C>G on transcript NM_023110.3 (MANE Select); coding-DNA position 231, C replaced by G.
Protein change: p.Asn77Lys; replaces asparagine 77 with lysine.
Molecular consequence: missense variant. On other transcripts: intron variant (5).
Genome position (GRCh38, 1-based): chr8:38,429,809, G>C on the plus strand (C>G on the coding strand, the complement: FGFR1 is on the minus strand). VCF-style: chr8-38429809-G-C. GRCh37 (hg19) VCF-style: chr8-38287327-G-C.
Other names: c.231C>G, p.Asn77Lys (NM_001174063.2, NM_001174065.2, NM_001354367.2 and 2 more transcripts); c.207C>G, p.Asn69Lys (NM_001174064.2); c.330C>G, p.Asn110Lys (NM_001174067.2); c.92-1374C>G (NM_001354368.2, NM_001354370.2, NM_023106.3 and 2 more transcripts); short protein forms N110K, N69K, N77K.
Identifiers: ClinVar variation 963764 (VCV000963764.20), dbSNP rs767195580, ClinGen allele CA4718846.